The following is an entry in ClinVar:

NM_006031.6(PCNT):c.9710C>A (p.Ala3237Glu)

Gene: PCNT (pericentrin; plus strand). Cytogenetic location: 21q22.3.
Variant type: single nucleotide variant.
Coding change: c.9710C>A on transcript NM_006031.6 (MANE Select); coding-DNA position 9710, C replaced by A.
Protein change: p.Ala3237Glu; replaces alanine 3237 with glutamic acid.
Molecular consequence: missense variant.
Genome position (GRCh38, 1-based): chr21:46,443,819, C>A. VCF-style: chr21-46443819-C-A. GRCh37 (hg19) VCF-style: chr21-47863732-C-A.
Other names: c.9119C>A, p.Ala3040Glu (NM_001315529.2); c.9710C>A (NM_006031.5); short protein forms A3040E, A3237E.
Identifiers: ClinVar variation 2129714 (VCV002129714.5), dbSNP rs769897793, ClinGen allele CA10081446.

ClinVar aggregate classification (germline): Uncertain significance. Review status: criteria provided, single submitter (1 of 4 stars). 2 submissions from 2 submitters: Uncertain significance (1). 1 of the submissions does not count toward it. Last evaluated 2022-04-23.

Conditions:
PCNT-related disorder. Also called: PCNT-related condition.

Allele frequency attached by ClinVar (database versions not stated): ExAC 0.00001.
gnomAD v4.1: 1 of 1,613,784 alleles (0.000062%); highest among the groups gnomAD compares: Admixed American, 0.0017%; no homozygotes.

Submissions (2):

Labcorp Genetics (formerly Invitae), Labcorp
Classification: Uncertain significance. Last evaluated: 2022-04-23. Review status: criteria provided, single submitter. Criteria: Invitae Variant Classification Sherloc (09022015). Collection method: clinical testing. Allele origin: germline.
Comment: In summary, the available evidence is currently insufficient to determine the role of this variant in disease. Therefore, it has been classified as a Variant of Uncertain Significance. Algorithms developed to predict the effect of missense changes on protein structure and function (SIFT, PolyPhen-2, Align-GVGD) all suggest that this variant is likely to be tolerated. This variant has not been reported in the literature in individuals affected with PCNT-related conditions. This variant is present in population databases (rs769897793, gnomAD 0.003%). This sequence change replaces alanine, which is neutral and non-polar, with glutamic acid, which is acidic and polar, at codon 3237 of the PCNT protein (p.Ala3237Glu).

PreventionGenetics, part of Exact Sciences
Classification: Uncertain significance for PCNT-related condition. Last evaluated: 2024-08-14. Review status: no assertion criteria provided. Collection method: clinical testing. Allele origin: germline. Not counted in ClinVar's aggregate classification.
Comment: The PCNT c.9710C>A variant is predicted to result in the amino acid substitution p.Ala3237Glu. To our knowledge, this variant has not been reported in the literature. This variant is reported in 0.0029% of alleles in individuals of Latino descent in gnomAD. At this time, the clinical significance of this variant is uncertain due to the absence of conclusive functional and genetic evidence.